The following is an entry in ClinVar:

ClinVar aggregate classification (germline): Uncertain significance (1 of 4 stars; one submission).

Submission:

Laboratorio de Genetica e Diagnostico Molecular, Hospital Israelita Albert Einstein
Classification: Uncertain significance. Last evaluated: 2021-03-25. Review status: criteria provided, single submitter. Criteria: ACMG Guidelines, 2015. Collection method: clinical testing. Allele origin: germline. Affected: yes.
Comment: ACMG classification criteria: PM2

NM_001010898.4(SLC6A17):c.1567T>C (p.Phe523Leu)

Gene: SLC6A17 (solute carrier family 6 member 17; plus strand). Cytogenetic location: 1p13.3.
Variant type: single nucleotide variant.
Coding change: c.1567T>C on transcript NM_001010898.4 (MANE Select); coding-DNA position 1567, T replaced by C.
Protein change: p.Phe523Leu; replaces phenylalanine 523 with leucine.
Molecular consequence: missense variant.
Genome position (GRCh38, 1-based): chr1:110,195,660, T>C. VCF-style: chr1-110195660-T-C. GRCh37 (hg19) VCF-style: chr1-110738282-T-C.
Other names: short protein forms F523L.
Identifiers: ClinVar variation 1690592 (VCV001690592.2), dbSNP rs2100951355, ClinGen allele CA341581050.